The following is an entry in ClinVar:

NM_005676.5(RBM10):c.358G>A (p.Asp120Asn)

Gene: RBM10 (RNA binding motif protein 10; plus strand). Cytogenetic location: Xp11.3.
Variant type: single nucleotide variant.
Coding change: c.358G>A on transcript NM_005676.5 (MANE Select); coding-DNA position 358, G replaced by A.
Protein change: p.Asp120Asn; replaces aspartic acid 120 with asparagine.
Molecular consequence: missense variant. On other transcripts: intron variant (2).
Genome position (GRCh38, 1-based): chrX:47,171,184, G>A. VCF-style: chrX-47171184-G-A. GRCh37 (hg19) VCF-style: chrX-47030583-G-A.
Other names: c.358G>A, p.Asp120Asn (NM_001204467.2); c.553G>A, p.Asp185Asn (NM_001204468.2); c.201+1686G>A (NM_001204466.2, NM_152856.3); short protein forms D185N, D120N.
Identifiers: ClinVar variation 3431115 (VCV003431115.3).
Genomic context (GRCh38, chrX:47,171,184, plus strand): 5'-GGCGACTATCGGGACCAGGACTATCGGACCGAGCAAGGGGAGGAGGAGGAGGAGGAGGAG[G>A]ATGAGGAGGAGGAGGAGAAGGCCAGTAACATCGTCATGCTGAGGATGCTGCCACAGGCAG-3'
Protein context (NP_005667.2, residues 110-130): EQGEEEEEEE[Asp120Asn]EEEEEKASNI

ClinVar aggregate classification (germline): Uncertain significance. Review status: criteria provided, multiple submitters, no conflicts (2 of 4 stars). 2 submissions from 2 submitters: Uncertain significance (2). Last evaluated 2025-06-17.

Conditions:
Inborn genetic diseases. Identifiers: MedGen C0950123, MeSH D030342.

gnomAD v4.1: 3 of 1,207,801 alleles (0.00025%); highest among the groups gnomAD compares: Non-Finnish European, 0.00034%; no homozygotes.

Submissions (2):

Dasa
Classification: Uncertain significance. Last evaluated: 2025-06-17. Review status: criteria provided, single submitter. Criteria: DASA Assertion Criteria. Collection method: clinical testing. Allele origin: germline.
Comment: NM_005676.5(RBM10):c.358G>A (p.Asp120Asn) is a missense variant that results in the substitution of aspartic acid with asparagine. This variant is rare in population databases. Computational prediction algorithms are consistent with a benign effect. The currently available literature and clinical evidence are not sufficient to establish a definitive association between this variant and the reported condition. Therefore, this variant is classified as a variant of uncertain significance.

Ambry Genetics
Classification: Uncertain significance for Inborn genetic diseases. Last evaluated: 2024-08-19. Review status: criteria provided, single submitter. Criteria: Ambry Variant Classification Scheme 2023. Collection method: clinical testing. Allele origin: germline.